The following is an entry in ClinVar:

ClinVar aggregate classification (germline): Likely pathogenic (1 of 4 stars; one submission).

Conditions:
Deficiency of alpha-mannosidase (MANSA). Also called: Alpha-Mannosidosis; LYSOSOMAL ALPHA-D-MANNOSIDASE DEFICIENCY; Mannosidosis, alpha-, types I and II. Identifiers: Orphanet 61, MedGen C0024748, MONDO:0009561, OMIM 248500.

Submission:

3billion
Classification: Likely pathogenic for Deficiency of alpha-mannosidase. Last evaluated: 2025-12-19. Review status: criteria provided, single submitter. Criteria: ACMG Guidelines, 2015. Collection method: clinical testing. Allele origin: germline. Affected: yes.
Comment: The variant is observed at an extremely low frequency in the gnomAD v4.1.0 dataset (total allele frequency: <0.001%). Predicted Consequence/Location: Canonical splice site: predicted to alter splicing and result in a loss or disruption of normal protein function. Multiple pathogenic loss-of-function variants are reported downstream of the variant. Therefore, this variant is classified as Likely pathogenic according to the recommendation of ACMG/AMP guideline.

NM_000528.4(MAN2B1):c.2268-7_2268-2dup

Gene: MAN2B1 (mannosidase alpha class 2B member 1; minus strand). Cytogenetic location: 19p13.13.
Variant type: Duplication.
Coding change: c.2268-7_2268-2dup on transcript NM_000528.4 (MANE Select); 7 bases into the intron before coding-DNA position 2268 through the canonical splice acceptor site of the intron before coding-DNA position 2268, 6 bases duplicated (ACCCCA; older notation c.2268-7_2268-2dupACCCCA).
Molecular consequence: splice acceptor variant.
Genome position (GRCh38, 1-based): chr19:12,649,430-12,649,435, TGGGGT duplicated on the plus strand (ACCCCA on the coding strand, the reverse complement: MAN2B1 is on the minus strand); duplicating any 6 consecutive bases within chr19:12,649,430-12,649,440 gives the same sequence; the c. name uses the placement nearest the transcript's 3' end. VCF-style (leftmost placement, unchanged base first): chr19-12649429-C-CTGGGGT. GRCh37 (hg19) VCF-style: chr19-12760243-C-CTGGGGT.
Other names: c.2265-7_2265-2dup (NM_001173498.2); c.2271-7_2271-2dup (NM_001440570.1).
Identifiers: ClinVar variation 4855105 (VCV004855105.1).